The following is an entry in ClinVar:

NM_006206.6(PDGFRA):c.2003G>A (p.Gly668Asp)

Gene: PDGFRA (platelet derived growth factor receptor alpha; plus strand). Cytogenetic location: 4q12.
Variant type: single nucleotide variant.
Coding change: c.2003G>A on transcript NM_006206.6 (MANE Select); coding-DNA position 2003, G replaced by A.
Protein change: p.Gly668Asp; replaces glycine 668 with aspartic acid.
Molecular consequence: missense variant.
Genome position (GRCh38, 1-based): chr4:54,278,362, G>A. VCF-style: chr4-54278362-G-A. GRCh37 (hg19) VCF-style: chr4-55144529-G-A.
Other names: c.2003G>A, p.Gly668Asp (NM_001347827.2, NM_001347829.2); c.2078G>A, p.Gly693Asp (NM_001347828.2); c.2042G>A, p.Gly681Asp (NM_001347830.2); short protein forms G668D, G693D, G681D.
Identifiers: ClinVar variation 841609 (VCV000841609.10), dbSNP rs1723871084, ClinGen allele CA356893818.

ClinVar aggregate classification (germline): Uncertain significance (1 of 4 stars; one submission).

Conditions:
Gastrointestinal stromal tumor. Also called: Gastrointestinal stromal tumor, somatic; Gastrointestinal stroma tumor. Identifiers: Orphanet 44890, MedGen C0238198, MeSH D046152, MONDO:0011719, OMIM 606764, HP:0100723.

Allele frequency attached by ClinVar (database versions not stated): gnomAD exomes below 0.00001.
gnomAD v4.1: 1 of 1,612,932 alleles (0.000062%); highest among the groups gnomAD compares: Non-Finnish European, 0.000085%; no homozygotes.

Submission:

Labcorp Genetics (formerly Invitae), Labcorp
Classification: Uncertain significance for Gastrointestinal stromal tumor. Last evaluated: 2019-03-28. Review status: criteria provided, single submitter. Criteria: Invitae Variant Classification Sherloc (09022015). Collection method: clinical testing. Allele origin: germline.
Comment: This variant is not present in population databases (ExAC no frequency). This variant has not been reported in the literature in individuals with PDGFRA-related conditions. Algorithms developed to predict the effect of missense changes on protein structure and function are either unavailable or do not agree on the potential impact of this missense change (SIFT: "Tolerated"; PolyPhen-2: "Probably Damaging"; Align-GVGD: "Class C0"). In summary, the available evidence is currently insufficient to determine the role of this variant in disease. Therefore, it has been classified as a Variant of Uncertain Significance. This sequence change replaces glycine with aspartic acid at codon 668 of the PDGFRA protein (p.Gly668Asp). The glycine residue is highly conserved and there is a moderate physicochemical difference between glycine and aspartic acid.